The following is an entry in ClinVar:

ClinVar aggregate classification (germline): Uncertain significance (1 of 4 stars; one submission).

Conditions:
Progressive sclerosing poliodystrophy (MTDPS4A). Also called: Mitochondrial DNA Depletion Syndrome 4A; Alpers-Huttenlocher Syndrome (AHS); ALPERS PROGRESSIVE INFANTILE POLIODYSTROPHY; NEURONAL DEGENERATION OF CHILDHOOD WITH LIVER DISEASE, PROGRESSIVE; Mitochondrial DNA depletion syndrome 4A (Alpers type); Alpers Syndrome. Identifiers: Orphanet 726, MedGen C0205710, MONDO:0008758, OMIM 203700.

Submission:

Labcorp Genetics (formerly Invitae), Labcorp
Classification: Uncertain significance for Progressive sclerosing poliodystrophy. Last evaluated: 2022-02-11. Review status: criteria provided, single submitter. Criteria: Invitae Variant Classification Sherloc (09022015). Collection method: clinical testing. Allele origin: germline.
Comment: This variant, c.1379_1390del, results in the deletion of 4 amino acid(s) of the POLG protein (p.Lys460_Leu463del), but otherwise preserves the integrity of the reading frame. This variant is present in population databases (no rsID available, gnomAD 0.0009%). This variant has not been reported in the literature in individuals affected with POLG-related conditions. Experimental studies and prediction algorithms are not available or were not evaluated, and the functional significance of this variant is currently unknown. In summary, the available evidence is currently insufficient to determine the role of this variant in disease. Therefore, it has been classified as a Variant of Uncertain Significance.

NM_002693.3(POLG):c.1379_1390del (p.Lys460_Leu463del)

Gene: POLG (DNA polymerase gamma, catalytic subunit; minus strand). Cytogenetic location: 15q26.1.
Variant type: Deletion.
Coding change: c.1379_1390del on transcript NM_002693.3 (MANE Select); coding-DNA positions 1379 to 1390, 12 bases deleted (AGAAGTCGTTGA).
Protein change: p.Lys460_Leu463del.
Molecular consequence: inframe deletion.
Genome position (GRCh38, 1-based): chr15:89,327,210-89,327,221, TCAACGACTTCT deleted on the plus strand (AGAAGTCGTTGA on the coding strand, the reverse complement: POLG is on the minus strand); deleting any 12 consecutive bases within chr15:89,327,210-89,327,224 gives the same sequence; the c. name uses the placement nearest the transcript's 3' end. VCF-style (leftmost placement, unchanged base first): chr15-89327209-ATCAACGACTTCT-A. GRCh37 (hg19) VCF-style: chr15-89870440-ATCAACGACTTCT-A.
Other names: c.1379_1390del, p.Lys460_Leu463del (NM_001126131.2).
Identifiers: ClinVar variation 2096536 (VCV002096536.1), dbSNP rs1204621325, ClinGen allele CA619857481.